The following is an entry in ClinVar:

GRCh38/hg38 16p13.11(chr16:14850703-16211879)x3

Genes: ABCC1 (ATP binding cassette subfamily C member 1 (ABCC1 blood group); plus strand), ABCC6 (ATP binding cassette subfamily C member 6; minus strand), BMERB1 (bMERB domain containing 1; plus strand), CEP20 (centrosomal protein 20; minus strand), MARF1 (meiosis regulator and mRNA stability factor 1; minus strand) and 40 more. Cytogenetic location: 16p13.11.
Variant type: copy number gain.
Change: copy number 3 (three copies instead of two) of chr16:14,850,703-16,211,879 (1.36 Mb, GRCh38 coordinates, 1-based), cytogenetic band 16p13.11.
Identifiers: ClinVar variation 57658 (VCV000057658.1).

ClinVar aggregate classification (germline): Uncertain significance (1 of 4 stars; one submission).

Submission:

ISCA site 15
Classification: Uncertain significance. Last evaluated: 2011-08-12. Review status: criteria provided, single submitter. Criteria: Kaminsky et al. (Genet Med. 2011). Collection method: clinical testing. Allele origin: unknown. Affected: yes. Observed: 1 variant allele.
Comment: Copy number variation identified through the course of routine clinical cytogenomic testing in postnatal populations. Clinical assertions have been curated as described in Kaminsky et al. 2011.